The following is an entry in ClinVar:

NM_000489.6(ATRX):c.6157T>G (p.Phe2053Val)

Gene: ATRX (ATRX chromatin remodeler; minus strand). Cytogenetic location: Xq21.1.
Variant type: single nucleotide variant.
Coding change: c.6157T>G on transcript NM_000489.6 (MANE Select); coding-DNA position 6157, T replaced by G.
Protein change: p.Phe2053Val; replaces phenylalanine 2053 with valine.
Molecular consequence: missense variant.
Genome position (GRCh38, 1-based): chrX:77,589,894, A>C on the plus strand (T>G on the coding strand, the complement: ATRX is on the minus strand). VCF-style: chrX-77589894-A-C. GRCh37 (hg19) VCF-style: chrX-76845364-A-C.
Other names: c.6043T>G, p.Phe2015Val (NM_138270.5); short protein forms F2015V, F2053V.
Identifiers: ClinVar variation 976314 (VCV000976314.4), dbSNP rs2066171841, ClinGen allele CA413702434.
Genomic context (GRCh38, chrX:77,589,894, plus strand): 5'-CTTTATAAATAAGGGGTTTATCTTTATCTTCTGTCTTCTCCCTACTAGCTAATTCAAGAA[A>C]ATCTTCAATCAAGTCCAGAGATATGAGGGACTGGCTGAAAACAAGGCTAAAAAAACAGAT-3'
Protein context (NP_000480.3, residues 2043-2063): SLISLDLIED[Phe2053Val]LELASREKTE

ClinVar aggregate classification (germline): Uncertain significance. Review status: criteria provided, multiple submitters, no conflicts (2 of 4 stars). 2 submissions from 2 submitters: Uncertain significance (2). Last evaluated 2022-03-31.

Conditions:
Intellectual disability-hypotonic facies syndrome, X-linked, 1 (MRXHF1). Also called: XLMR-HYPOTONIC FACIES SYNDROME; HOLMES-GANG SYNDROME; Smith Fineman Myers syndrome 1; X-linked intellectual disability-hypotonic face syndrome; CHUDLEY-LOWRY SYNDROME; Chudley syndrome 1. Identifiers: Orphanet 73220, Orphanet 93970, Orphanet 93971, Orphanet 93972, Orphanet 93973, Orphanet 93974, Orphanet 93975, MedGen C4759781, MONDO:0010663, OMIM 309580.

Submissions (2):

Greenwood Genetic Center Diagnostic Laboratories, Greenwood Genetic Center
Classification: Uncertain significance. Last evaluated: 2022-03-31. Review status: criteria provided, single submitter. Criteria: ACMG Guidelines, 2015. Collection method: clinical testing. Allele origin: germline. Affected: yes.
Comment: PM2, PP2, PP3

Institute of Human Genetics, University of Leipzig Medical Center
Classification: Uncertain significance for Intellectual disability-hypotonic facies syndrome, X-linked, 1. Last evaluated: 2019-12-02. Review status: criteria provided, single submitter. Criteria: ACMG Guidelines, 2015. Collection method: clinical testing. Allele origin: germline. Affected: yes. Observed: 1 variant allele.